The following is an entry in ClinVar:

ClinVar aggregate classification (germline): Uncertain significance (1 of 4 stars; one submission).

Submission:

Labcorp Genetics (formerly Invitae), Labcorp
Classification: Uncertain significance. Last evaluated: 2022-05-30. Review status: criteria provided, single submitter. Criteria: Invitae Variant Classification Sherloc (09022015). Collection method: clinical testing. Allele origin: germline.
Comment: This sequence change replaces histidine, which is basic and polar, with arginine, which is basic and polar, at codon 287 of the C8B protein (p.His287Arg). This variant is not present in population databases (gnomAD no frequency). This variant has not been reported in the literature in individuals affected with C8B-related conditions. Algorithms developed to predict the effect of missense changes on protein structure and function (SIFT, PolyPhen-2, Align-GVGD) all suggest that this variant is likely to be tolerated. In summary, the available evidence is currently insufficient to determine the role of this variant in disease. Therefore, it has been classified as a Variant of Uncertain Significance.

NM_000066.4(C8B):c.860A>G (p.His287Arg)

Gene: C8B (complement C8 beta chain; minus strand). Cytogenetic location: 1p32.2.
Variant type: single nucleotide variant.
Coding change: c.860A>G on transcript NM_000066.4 (MANE Select); coding-DNA position 860, A replaced by G.
Protein change: p.His287Arg; replaces histidine 287 with arginine.
Molecular consequence: missense variant.
Genome position (GRCh38, 1-based): chr1:56,949,559, T>C on the plus strand (A>G on the coding strand, the complement: C8B is on the minus strand). VCF-style: chr1-56949559-T-C. GRCh37 (hg19) VCF-style: chr1-57415232-T-C.
Other names: c.704A>G, p.His235Arg (NM_001278543.2); c.674A>G, p.His225Arg (NM_001278544.2); short protein forms H287R, H225R, H235R.
Identifiers: ClinVar variation 2018461 (VCV002018461.4), dbSNP rs2522746864, ClinGen allele CA340530962.